The following is an entry in ClinVar:

ClinVar aggregate classification (germline): Uncertain significance (1 of 4 stars; one submission).

Conditions:
Intellectual disability, autosomal recessive 53 (NEDHSCA). Also called: GLYCOSYLPHOSPHATIDYLINOSITOL BIOSYNTHESIS DEFECT 13; Mental retardation, autosomal recessive 53; NEURODEVELOPMENTAL DISORDER WITH OR WITHOUT HYPOTONIA, SEIZURES, AND CEREBELLAR ATROPHY. Identifiers: Orphanet 488635, MedGen C4310794, MONDO:0014832, OMIM 616917.

Submission:

Labcorp Genetics (formerly Invitae), Labcorp
Classification: Uncertain significance for Intellectual disability, autosomal recessive 53. Last evaluated: 2023-05-09. Review status: criteria provided, single submitter. Criteria: Invitae Variant Classification Sherloc (09022015). Collection method: clinical testing. Allele origin: germline.
Comment: In summary, the available evidence is currently insufficient to determine the role of this variant in disease. Therefore, it has been classified as a Variant of Uncertain Significance. Advanced modeling of protein sequence and biophysical properties (such as structural, functional, and spatial information, amino acid conservation, physicochemical variation, residue mobility, and thermodynamic stability) performed at Invitae indicates that this missense variant is not expected to disrupt PIGG protein function. ClinVar contains an entry for this variant (Variation ID: 663484). This variant has not been reported in the literature in individuals affected with PIGG-related conditions. This variant is not present in population databases (gnomAD no frequency). This sequence change replaces serine, which is neutral and polar, with proline, which is neutral and non-polar, at codon 545 of the PIGG protein (p.Ser545Pro).

NM_001127178.3(PIGG):c.1633T>C (p.Ser545Pro)

Gene: PIGG (phosphatidylinositol glycan anchor biosynthesis class G (EMM blood group); plus strand). Cytogenetic location: 4p16.3.
Variant type: single nucleotide variant.
Coding change: c.1633T>C on transcript NM_001127178.3 (MANE Select); coding-DNA position 1633, T replaced by C.
Protein change: p.Ser545Pro; replaces serine 545 with proline.
Molecular consequence: missense variant. On other transcripts: non-coding transcript variant (7).
Genome position (GRCh38, 1-based): chr4:523,477, T>C. VCF-style: chr4-523477-T-C. GRCh37 (hg19) VCF-style: chr4-517266-T-C.
Other names: c.1366T>C, p.Ser456Pro (NM_001289051.2, NM_001345986.2); c.1234T>C, p.Ser412Pro (NM_001289052.2); c.1342T>C, p.Ser448Pro (NM_001345987.2); c.604T>C, p.Ser202Pro (NM_001345988.2); c.100T>C, p.Ser34Pro (NM_001345990.2, NM_001345991.2); c.535T>C, p.Ser179Pro (NM_001345994.2); c.1609T>C, p.Ser537Pro (NM_017733.5); short protein forms S456P, S545P, S412P, S448P, S202P, S179P, S34P, S537P.
Identifiers: ClinVar variation 663484 (VCV000663484.9), dbSNP rs1577104001, ClinGen allele CA355906448.